The following is an entry in ClinVar:

ClinVar aggregate classification (germline): Benign/Likely benign. Review status: criteria provided, multiple submitters, no conflicts (2 of 4 stars). 2 submissions from 2 submitters: Benign (1); Likely benign (1). Last evaluated 2025-10-02.

Conditions:
Mitochondrial DNA depletion syndrome 9 (MTDPS9). Also called: SUCLG1-Related Mitochondrial DNA Depletion Syndrome, Encephalomyopathic Form with Methylmalonic Aciduria. Identifiers: Orphanet 17, MedGen C3151476, MONDO:0009504, OMIM 245400.

Submissions (2):

Labcorp Genetics (formerly Invitae), Labcorp
Classification: Benign for Mitochondrial DNA depletion syndrome 9. Last evaluated: 2025-10-02. Review status: criteria provided, single submitter. Criteria: Invitae Variant Classification Sherloc (09022015). Collection method: clinical testing. Allele origin: germline.

GeneDx
Classification: Likely benign. Last evaluated: 2017-03-22. Review status: criteria provided, single submitter. Criteria: GeneDx Variant Classification (06012015). Collection method: clinical testing. Allele origin: germline. Affected: yes.
Comment: This variant is considered likely benign or benign based on one or more of the following criteria: it is a conservative change, it occurs at a poorly conserved position in the protein, it is predicted to be benign by multiple in silico algorithms, and/or has population frequency not consistent with disease.

NM_003849.4(SUCLG1):c.531+9dup

Gene: SUCLG1 (succinate-CoA ligase GDP/ADP-forming subunit alpha; minus strand). Cytogenetic location: 2p11.2.
Variant type: Duplication.
Coding change: c.531+9dup on transcript NM_003849.4 (MANE Select); 9 bases into the intron after coding-DNA position 531, one base duplicated (A; older notation c.531+9dupA).
Molecular consequence: intron variant.
Genome position (GRCh38, 1-based): chr2:84,441,232, T duplicated on the plus strand (A on the coding strand, the reverse complement: SUCLG1 is on the minus strand); the first of 7 consecutive T bases (chr2:84,441,232-84,441,238); duplicating any one gives the same sequence. VCF-style (leftmost placement, unchanged base first): chr2-84441231-G-GT. GRCh37 (hg19) VCF-style: chr2-84668355-G-GT.
Other names: c.531+15dupA (NM_003849.3).
Identifiers: ClinVar variation 507881 (VCV000507881.8), dbSNP rs769785912, ClinGen allele CA1736289.